The following is an entry in ClinVar:

ClinVar aggregate classification (germline): Likely pathogenic (1 of 4 stars; one submission).

Submission:

GeneDx
Classification: Likely pathogenic. Last evaluated: 2023-03-28. Review status: criteria provided, single submitter. Criteria: GeneDx Variant Classification Process June 2021. Collection method: clinical testing. Allele origin: germline. Affected: yes.
Comment: Canonical splice site variant expected to result in aberrant splicing leading to an in-frame deletion of the adjacent exon; Not observed at significant frequency in large population cohorts (gnomAD); Has not been previously published as pathogenic or benign to our knowledge; This variant is associated with the following publications: (PMID: Gordon2000[Book])

NM_000136.3(FANCC):c.522-1G>A

Genes: AOPEP (aminopeptidase O (putative); plus strand), FANCC (FA complementation group C; minus strand). Cytogenetic location: 9q22.32.
Variant type: single nucleotide variant.
Coding change: c.522-1G>A on transcript NM_000136.3 (MANE Select); the canonical splice acceptor site of the intron before coding-DNA position 522, G replaced by A.
Molecular consequence: splice acceptor variant.
Genome position (GRCh38, 1-based): chr9:95,150,088, C>T on the plus strand (G>A on the coding strand, the complement: FANCC is on the minus strand). VCF-style: chr9-95150088-C-T. GRCh37 (hg19) VCF-style: chr9-97912370-C-T.
Other names: c.522-1G>A (NM_001243743.2, NM_001243744.2).
Identifiers: ClinVar variation 2581820 (VCV002581820.1), dbSNP rs1014112491, ClinGen allele CA374109917.